The following is an entry in ClinVar:

ClinVar aggregate classification (germline): Conflicting classifications of pathogenicity. Review status: criteria provided, conflicting classifications (1 of 4 stars). 6 submissions from 6 submitters: Likely pathogenic (1); Uncertain significance (4). 1 of the submissions does not count toward it. Last evaluated 2025-11-16.

Conditions:
Combined oxidative phosphorylation defect type 14. Also called: Combined oxidative phosphorylation deficiency 14. Identifiers: Orphanet 319519, MedGen C4755312, MONDO:0013986, OMIM 614946.

Allele frequency attached by ClinVar (database versions not stated): ESP Exome Variant Server 0.00008; TOPMed 0.00011; gnomAD exomes 0.00014 and 0.00026; ExAC 0.00015; gnomAD 0.00026 and 0.00028.
gnomAD v4.1: 251 of 1,610,822 alleles (0.016%); highest among the groups gnomAD compares: Non-Finnish European, 0.0086%; no homozygotes.

Submissions (6):

Labcorp Genetics (formerly Invitae), Labcorp
Classification: Uncertain significance for Combined oxidative phosphorylation defect type 14. Last evaluated: 2025-11-16. Review status: criteria provided, single submitter. Criteria: Invitae Variant Classification Sherloc (09022015). Collection method: clinical testing. Allele origin: germline.
Comment: This sequence change replaces arginine, which is basic and polar, with cysteine, which is neutral and slightly polar, at codon 223 of the FARS2 protein (p.Arg223Cys). This variant is present in population databases (rs202060864, gnomAD 0.2%). This missense change has been observed in individual(s) with epileptic encephalopathy (PMID: 32597768). ClinVar contains an entry for this variant (Variation ID: 214330). Invitae Evidence Modeling of protein sequence and biophysical properties (such as structural, functional, and spatial information, amino acid conservation, physicochemical variation, residue mobility, and thermodynamic stability) indicates that this missense variant is expected to disrupt FARS2 protein function with a positive predictive value of 95%. In summary, the available evidence is currently insufficient to determine the role of this variant in disease. Therefore, it has been classified as a Variant of Uncertain Significance.

GeneDx
Classification: Uncertain significance. Last evaluated: 2024-12-26. Review status: criteria provided, single submitter. Criteria: GeneDx Variant Classification Process June 2021. Collection method: clinical testing. Allele origin: germline. Affected: yes.
Comment: In silico analysis supports that this missense variant has a deleterious effect on protein structure/function; This variant is associated with the following publications: (PMID: 32597768)

Revvity Omics, Revvity
Classification: Uncertain significance. Last evaluated: 2024-09-25. Review status: criteria provided, single submitter. Criteria: ACMG Guidelines, 2015. Collection method: clinical testing. Allele origin: germline.

Blueprint Genetics
Classification: Uncertain significance. Last evaluated: 2024-08-14. Review status: criteria provided, single submitter. Criteria: ACMG Guidelines, 2015. Collection method: clinical testing. Allele origin: germline.

Cytogénomique, Hospices Civils de Lyon
Classification: Likely pathogenic for Combined oxidative phosphorylation defect type 14. Last evaluated: 2018-04-10. Review status: criteria provided, single submitter. Criteria: ACMG Guidelines, 2015. Collection method: clinical testing. Allele origin: germline. Inheritance: Autosomal recessive inheritance. Affected: yes.

Department of Pathology and Laboratory Medicine, Sinai Health System
Classification: Uncertain significance. Review status: no assertion criteria provided. Collection method: clinical testing. Allele origin: unknown. Affected: yes. Study: The Canadian Open Genetics Repository (COGR). Not counted in ClinVar's aggregate classification.
Comment: The FARS2 p.Arg223Cys variant was not identified in the literature nor was it identified in LOVD 3.0. The variant was identified in dbSNP (ID: rs202060864), ClinVar (classified as likely pathogenic by GeneDx and uncertain significance by Invitae. The variant was identified in control databases in 76 of 281418 chromosomes at a frequency of 0.0002701 (Genome Aggregation Database March 6, 2019, v2.1.1). The variant was observed in the following populations: European (Finnish) in 47 of 25106 chromosomes (freq: 0.001872), Ashkenazi Jewish in 10 of 10350 chromosomes (freq: 0.000966), European (non-Finnish) in 17 of 128836 chromosomes (freq: 0.000132) and African in 2 of 24928 chromosomes (freq: 0.00008), but was not observed in the Latino, East Asian, Other or South Asian populations. The p.Arg223 residue is conserved in mammals but not in more distantly related organisms, and four out of five computational analyses (PolyPhen-2, SIFT, AlignGVGD, BLOSUM, MutationTaster) suggest that the variant may impact the protein; however, this information is not predictive enough to assume pathogenicity. The variant occurs outside of the splicing consensus sequence and in silico or computational prediction software programs (SpliceSiteFinder, MaxEntScan, NNSPLICE, GeneSplicer) do not predict a difference in splicing. In summary, based on the above information the clinical significance of this variant cannot be determined with certainty at this time. This variant is classified as a variant of uncertain significance.

Literature cited by the submitters: PubMed 32597768 (cited by Labcorp Genetics (formerly Invitae), Labcorp).

NM_006567.5(FARS2):c.667C>T (p.Arg223Cys)

Gene: FARS2 (phenylalanyl-tRNA synthetase 2, mitochondrial; plus strand). Cytogenetic location: 6p25.1.
Variant type: single nucleotide variant.
Coding change: c.667C>T on transcript NM_006567.5 (MANE Select); coding-DNA position 667, C replaced by T.
Protein change: p.Arg223Cys; replaces arginine 223 with cysteine.
Molecular consequence: missense variant. On other transcripts: 5 prime UTR variant (2).
Genome position (GRCh38, 1-based): chr6:5,404,596, C>T. VCF-style: chr6-5404596-C-T. GRCh37 (hg19) VCF-style: chr6-5404829-C-T.
Other names: p.R223C:CGC>TGC; c.667C>T, p.Arg223Cys (NM_001318872.2, NM_001374875.1, NM_001374876.1 and 5 more transcripts); c.-30C>T (NM_001375259.1, NM_001375260.1); short protein forms R223C.
Identifiers: ClinVar variation 214330 (VCV000214330.16), dbSNP rs202060864, ClinGen allele CA320775.